The following is an entry in ClinVar:

NM_004336.5(BUB1):c.2498T>C (p.Ile833Thr)

Gene: BUB1 (BUB1 mitotic checkpoint serine/threonine kinase; minus strand). Cytogenetic location: 2q13.
Variant type: single nucleotide variant.
Coding change: c.2498T>C on transcript NM_004336.5 (MANE Select); coding-DNA position 2498, T replaced by C.
Protein change: p.Ile833Thr; replaces isoleucine 833 with threonine.
Molecular consequence: missense variant.
Genome position (GRCh38, 1-based): chr2:110,641,769, A>G on the plus strand (T>C on the coding strand, the complement: BUB1 is on the minus strand). VCF-style: chr2-110641769-A-G. GRCh37 (hg19) VCF-style: chr2-111399346-A-G.
Other names: c.2438T>C, p.Ile813Thr (NM_001278616.2); c.2498T>C, p.Ile833Thr (NM_001278617.2); short protein forms I813T, I833T.
Identifiers: ClinVar variation 1792153 (VCV001792153.4), dbSNP rs200481903, ClinGen allele CA348090537.
Genomic context (GRCh38, chr2:110,641,769, plus strand): 5'-TAGAACTTCATAAACATGTGCTGCATAGATGGCTTTAGTCTTTCCATCAACTGGGTCCCA[A>G]TGTAGAATTCCCAGGGGTTGGCAGGCTTTTGGACCTGCAAATCAGGTATGTGAAATTCAT-3'
Protein context (NP_004327.1, residues 823-843): QKPANPWEFY[Ile833Thr]GTQLMERLKP

ClinVar aggregate classification (germline): Uncertain significance. Review status: criteria provided, multiple submitters, no conflicts (2 of 4 stars). 2 submissions from 2 submitters: Uncertain significance (2). Last evaluated 2025-04-13.

gnomAD v4.1: 9 of 1,608,794 alleles (0.00056%); highest among the groups gnomAD compares: East Asian, 0.0045%; no homozygotes.

Submissions (2):

Labcorp Genetics (formerly Invitae), Labcorp
Classification: Uncertain significance. Last evaluated: 2025-04-13. Review status: criteria provided, single submitter. Criteria: Invitae Variant Classification Sherloc (09022015). Collection method: clinical testing. Allele origin: germline.
Comment: This sequence change replaces isoleucine, which is neutral and non-polar, with threonine, which is neutral and polar, at codon 833 of the BUB1 protein (p.Ile833Thr). This variant is present in population databases (no rsID available, gnomAD 0.003%). This variant has not been reported in the literature in individuals affected with BUB1-related conditions. ClinVar contains an entry for this variant (Variation ID: 1792153). Experimental studies and prediction algorithms are not available or were not evaluated, and the functional significance of this variant is currently unknown. In summary, the available evidence is currently insufficient to determine the role of this variant in disease. Therefore, it has been classified as a Variant of Uncertain Significance.

Ambry Genetics
Classification: Uncertain significance. Last evaluated: 2024-04-06. Review status: criteria provided, single submitter. Criteria: Ambry Variant Classification Scheme 2023. Collection method: clinical testing. Allele origin: germline.
Comment: The p.I833T variant (also known as c.2498T>C), located in coding exon 21 of the BUB1 gene, results from a T to C substitution at nucleotide position 2498. The isoleucine at codon 833 is replaced by threonine, an amino acid with similar properties. This amino acid position is conserved. In addition, the in silico prediction for this alteration is inconclusive. Since supporting evidence is limited at this time, the clinical significance of this alteration remains unclear.